The following is an entry in ClinVar:

NM_012463.4(ATP6V0A2):c.2056-14C>G

Gene: ATP6V0A2 (ATPase H+ transporting V0 subunit a2; plus strand). Cytogenetic location: 12q24.31.
Variant type: single nucleotide variant.
Coding change: c.2056-14C>G on transcript NM_012463.4 (MANE Select); 14 bases into the intron before coding-DNA position 2056, C replaced by G.
Molecular consequence: intron variant.
Genome position (GRCh38, 1-based): chr12:123,752,269, C>G. VCF-style: chr12-123752269-C-G. GRCh37 (hg19) VCF-style: chr12-124236816-C-G.
Identifiers: ClinVar variation 509371 (VCV000509371.9), dbSNP rs375232199, ClinGen allele CA6862121.

ClinVar aggregate classification (germline): Likely benign. Review status: criteria provided, multiple submitters, no conflicts (2 of 4 stars). 3 submissions from 3 submitters: Likely benign (3). Last evaluated 2025-12-23.

Conditions:
ALG9 congenital disorder of glycosylation (CDG1L). Also called: CDG Il; ALG9-CDG; CONGENITAL DISORDER OF GLYCOSYLATION, TYPE Il. Identifiers: Orphanet 79328, MedGen C2931006, MONDO:0012117, OMIM 608776.

Allele frequency attached by ClinVar (database versions not stated): TOPMed 0.00002.
gnomAD v4.1: 40 of 1,613,860 alleles (0.0025%); highest among the groups gnomAD compares: Non-Finnish European, 0.0011%; no homozygotes.

Submissions (3):

Labcorp Genetics (formerly Invitae), Labcorp
Classification: Likely benign for ALG9 congenital disorder of glycosylation. Last evaluated: 2025-12-23. Review status: criteria provided, single submitter. Criteria: Invitae Variant Classification Sherloc (09022015). Collection method: clinical testing. Allele origin: germline.

Blueprint Genetics
Classification: Likely benign. Last evaluated: 2024-09-24. Review status: criteria provided, single submitter. Criteria: ACMG Guidelines, 2015. Collection method: clinical testing. Allele origin: germline.

GeneDx
Classification: Likely benign. Last evaluated: 2017-05-04. Review status: criteria provided, single submitter. Criteria: GeneDx Variant Classification (06012015). Collection method: clinical testing. Allele origin: germline. Affected: yes.
Comment: This variant is considered likely benign or benign based on one or more of the following criteria: it is a conservative change, it occurs at a poorly conserved position in the protein, it is predicted to be benign by multiple in silico algorithms, and/or has population frequency not consistent with disease.